The following is an entry in ClinVar:

ClinVar aggregate classification (germline): Uncertain significance (1 of 4 stars; one submission).

Submission:

GeneDx
Classification: Uncertain significance. Last evaluated: 2023-04-01. Review status: criteria provided, single submitter. Criteria: GeneDx Variant Classification Process June 2021. Collection method: clinical testing. Allele origin: germline. Affected: yes.
Comment: Not observed at significant frequency in large population cohorts (gnomAD); In silico analysis supports that this missense variant has a deleterious effect on protein structure/function; Has not been previously published as pathogenic or benign to our knowledge

NM_001394998.1(TANC2):c.4124T>C (p.Val1375Ala)

Gene: TANC2 (tetratricopeptide repeat, ankyrin repeat and coiled-coil containing 2; plus strand). Cytogenetic location: 17q23.3.
Variant type: single nucleotide variant.
Coding change: c.4124T>C on transcript NM_001394998.1 (MANE Select); coding-DNA position 4124, T replaced by C.
Protein change: p.Val1375Ala; replaces valine 1375 with alanine.
Molecular consequence: missense variant.
Genome position (GRCh38, 1-based): chr17:63,415,631, T>C. VCF-style: chr17-63415631-T-C. GRCh37 (hg19) VCF-style: chr17-61492992-T-C.
Other names: c.3902T>C, p.Val1301Ala (NM_001411076.1); c.3872T>C, p.Val1291Ala (NM_025185.4); short protein forms V1291A, V1301A, V1375A.
Identifiers: ClinVar variation 2581876 (VCV002581876.1), dbSNP rs2510523556, ClinGen allele CA400538238.